The following is an entry in ClinVar:

NM_020778.5(ALPK3):c.2499C>G (p.Asp833Glu)

Gene: ALPK3 (alpha kinase 3; plus strand). Cytogenetic location: 15q25.3.
Variant type: single nucleotide variant.
Coding change: c.2499C>G on transcript NM_020778.5 (MANE Select); coding-DNA position 2499, C replaced by G.
Protein change: p.Asp833Glu; replaces aspartic acid 833 with glutamic acid.
Molecular consequence: missense variant.
Genome position (GRCh38, 1-based): chr15:84,857,237, C>G. VCF-style: chr15-84857237-C-G. GRCh37 (hg19) VCF-style: chr15-85400468-C-G.
Other names: short protein forms D833E.
Identifiers: ClinVar variation 4808976 (VCV004808976.1).

ClinVar aggregate classification (germline): Uncertain significance (1 of 4 stars; one submission).

gnomAD v4.1: 5 of 1,613,940 alleles (0.00031%); highest among the groups gnomAD compares: Non-Finnish European, 0.00042%; no homozygotes.

Submission:

Labcorp Genetics (formerly Invitae), Labcorp
Classification: Uncertain significance. Last evaluated: 2025-04-30. Review status: criteria provided, single submitter. Criteria: Invitae Variant Classification Sherloc (09022015). Collection method: clinical testing. Allele origin: germline.
Comment: This sequence change replaces aspartic acid, which is acidic and polar, with glutamic acid, which is acidic and polar, at codon 1035 of the ALPK3 protein (p.Asp1035Glu). This variant is present in population databases (rs767247786, gnomAD 0.0009%). This variant has not been reported in the literature in individuals affected with ALPK3-related conditions. Invitae Evidence Modeling of protein sequence and biophysical properties (such as structural, functional, and spatial information, amino acid conservation, physicochemical variation, residue mobility, and thermodynamic stability) indicates that this missense variant is not expected to disrupt ALPK3 protein function with a negative predictive value of 80%. In summary, the available evidence is currently insufficient to determine the role of this variant in disease. Therefore, it has been classified as a Variant of Uncertain Significance.